The following is an entry in ClinVar:

NM_016366.3(CABP2):c.346G>A (p.Glu116Lys)

Gene: CABP2 (calcium binding protein 2; minus strand). Cytogenetic location: 11q13.2.
Variant type: single nucleotide variant.
Coding change: c.346G>A on transcript NM_016366.3 (MANE Select); coding-DNA position 346, G replaced by A.
Protein change: p.Glu116Lys; replaces glutamic acid 116 with lysine.
Molecular consequence: missense variant.
Genome position (GRCh38, 1-based): chr11:67,521,058, C>T on the plus strand (G>A on the coding strand, the complement: CABP2 is on the minus strand). VCF-style: chr11-67521058-C-T. GRCh37 (hg19) VCF-style: chr11-67288529-C-T.
Other names: c.364G>A, p.Glu122Lys (NM_001318496.2); short protein forms E116K, E122K.
Identifiers: ClinVar variation 1304695 (VCV001304695.5), dbSNP rs140767804, ClinGen allele CA6142493.
Genomic context (GRCh38, chr11:67,521,058, plus strand): 5'-GGATGGGGATGGGTCCGAGGCACATACTGATTTGTTGTGAGATCTCGATGAGCTCCATCT[C>T]GGTGGGCATGTAGCCCAGGGTCCGCATGCAGGCACCCAGCTCCCGGCAGCCAATGTAGCC-3'
Protein context (NP_057450.2, residues 106-126): CMRTLGYMPT[Glu116Lys]MELIEISQQI

ClinVar aggregate classification (germline): Uncertain significance. Review status: criteria provided, multiple submitters, no conflicts (2 of 4 stars). 2 submissions from 2 submitters: Uncertain significance (2). Last evaluated 2026-01-03.

Allele frequency attached by ClinVar (database versions not stated): gnomAD exomes 0.00002 and 0.00004; ExAC 0.00003; TOPMed 0.00005; gnomAD 0.00009 and 0.00011; ESP Exome Variant Server 0.00015.
gnomAD v4.1: 40 of 1,613,848 alleles (0.0025%); highest among the groups gnomAD compares: African/African-American, 0.027%; no homozygotes.

Submissions (2):

GeneDx
Classification: Uncertain significance. Last evaluated: 2026-01-03. Review status: criteria provided, single submitter. Criteria: GeneDx Variant Classification Process June 2021. Collection method: clinical testing. Allele origin: germline. Affected: yes.
Comment: In silico analysis supports that this missense variant has a deleterious effect on protein structure/function; Has not been previously published as pathogenic or benign to our knowledge

Labcorp Genetics (formerly Invitae), Labcorp
Classification: Uncertain significance. Last evaluated: 2024-09-28. Review status: criteria provided, single submitter. Criteria: Invitae Variant Classification Sherloc (09022015). Collection method: clinical testing. Allele origin: germline.
Comment: This sequence change replaces glutamic acid, which is acidic and polar, with lysine, which is basic and polar, at codon 116 of the CABP2 protein (p.Glu116Lys). This variant is present in population databases (rs140767804, gnomAD 0.04%). This variant has not been reported in the literature in individuals affected with CABP2-related conditions. ClinVar contains an entry for this variant (Variation ID: 1304695). An algorithm developed to predict the effect of missense changes on protein structure and function (PolyPhen-2) suggests that this variant is likely to be disruptive. In summary, the available evidence is currently insufficient to determine the role of this variant in disease. Therefore, it has been classified as a Variant of Uncertain Significance.